The following is an entry in ClinVar:

ClinVar aggregate classification (germline): Likely benign (1 of 4 stars; one submission).

Submission:

GeneDx
Classification: Likely benign. Last evaluated: 2015-12-28. Review status: criteria provided, single submitter. Criteria: GeneDx Variant Classification (06012015). Collection method: clinical testing. Allele origin: germline. Affected: yes.
Comment: This variant is considered likely benign or benign based on one or more of the following criteria: it is a conservative change, it occurs at a poorly conserved position in the protein, it is predicted to be benign by multiple in silico algorithms, and/or has population frequency not consistent with disease.

NM_000077.5(CDKN2A):c.457+11A>G

Gene: CDKN2A (cyclin dependent kinase inhibitor 2A; minus strand). Cytogenetic location: 9p21.3.
Variant type: single nucleotide variant.
Coding change: c.457+11A>G on transcript NM_000077.5 (MANE Select); 11 bases into the intron after coding-DNA position 457, A replaced by G.
Molecular consequence: intron variant.
Genome position (GRCh38, 1-based): chr9:21,970,891, T>C on the plus strand (A>G on the coding strand, the complement: CDKN2A is on the minus strand). VCF-style: chr9-21970891-T-C. GRCh37 (hg19) VCF-style: chr9-21970890-T-C.
Other names: c.304+11A>G (NM_001363763.2); c.*101+11A>G (NM_058195.4); c.457+11A>G (NM_001195132.2); c.*380+11A>G (NM_058197.5).
Identifiers: ClinVar variation 382700 (VCV000382700.1), dbSNP rs1057521424, ClinGen allele CA16605668.
Genomic context (GRCh38, chr9:21,970,891, plus strand): 5'-TGTGCTGGAAAATGAATGCTCTGAGCTTTGGAAGCTCTCAGGGTACAAATTCTCAGATCA[T>C]CAGTCCTCACCTGAGGGACCTTCCGCGGCATCTATGCGGGCATGGTTACTGCCTCTGGTG-3'